The following is an entry in ClinVar:

ClinVar aggregate classification (germline): Benign/Likely benign. Review status: criteria provided, multiple submitters, no conflicts (2 of 4 stars). 7 submissions from 7 submitters: Benign (4); Likely benign (1). 2 of the submissions do not count toward it. Last evaluated 2026-07-01.

Conditions:
Parkinsonism-dystonia, infantile. Identifiers: Orphanet 238455, MedGen C2751067, MONDO:0013150.
Classic dopamine transporter deficiency syndrome (PKDYS1). Also called: Parkinsonism-dystonia, infantile, 1; DOPAMINE TRANSPORTER DEFICIENCY SYNDROME. Identifiers: Orphanet 238455, MedGen C5700336, MONDO:0054835, OMIM 613135.

Allele frequency attached by ClinVar (database versions not stated): 1000 Genomes Project 30x 0.00437; 1000 Genomes Project 0.00459; gnomAD 0.00589; TOPMed 0.00685; ESP Exome Variant Server 0.00746.
gnomAD v4.1: 16,634 of 1,614,186 alleles (1%); highest among the groups gnomAD compares: Non-Finnish European, 1.2%; 111 homozygotes.

Submissions (7):

CeGaT Center for Human Genetics Tuebingen
Classification: Benign. Last evaluated: 2026-07-01. Review status: criteria provided, single submitter. Criteria: CeGaT Center For Human Genetics Tuebingen Variant Classification Criteria Version 2. Collection method: clinical testing. Allele origin: germline. Affected: yes. Observed: 39 variant alleles.
Comment: SLC6A3: BP4, BP7, BS1, BS2

Labcorp Genetics (formerly Invitae), Labcorp
Classification: Benign for Parkinsonism-dystonia, infantile. Last evaluated: 2026-01-27. Review status: criteria provided, single submitter. Criteria: Invitae Variant Classification Sherloc (09022015). Collection method: clinical testing. Allele origin: germline.

Mayo Clinic Laboratories, Mayo Clinic
Classification: Benign. Last evaluated: 2023-01-24. Review status: criteria provided, single submitter. Criteria: ACMG Guidelines, 2015. Collection method: clinical testing. Allele origin: germline. Observed: 13 variant alleles.
Comment: BS1, BS2, BP4, BP7

GeneDx
Classification: Likely benign. Last evaluated: 2020-10-05. Review status: criteria provided, single submitter. Criteria: GeneDx Variant Classification Process June 2021. Collection method: clinical testing. Allele origin: germline. Affected: yes.

Clinical Genetics DNA and cytogenetics Diagnostics Lab, Erasmus MC, Erasmus Medical Center
Classification: Benign for Classic dopamine transporter deficiency syndrome. Last evaluated: 2017-06-28. Review status: criteria provided, single submitter. Criteria: ACGS Guidelines, 2013. Collection method: clinical testing. Allele origin: germline. Affected: yes. Study: VKGL Data-share Consensus.

Diagnostic Laboratory, Department of Genetics, University Medical Center Groningen
Classification: Likely benign for Classic dopamine transporter deficiency syndrome. Review status: no assertion criteria provided. Collection method: clinical testing. Allele origin: germline. Affected: yes. Study: VKGL Data-share Consensus. Not counted in ClinVar's aggregate classification.

Genome Diagnostics Laboratory, Amsterdam University Medical Center
Classification: Likely benign. Review status: no assertion criteria provided. Collection method: clinical testing. Allele origin: germline. Affected: yes. Study: VKGL Data-share Consensus. Not counted in ClinVar's aggregate classification.

NM_001044.5(SLC6A3):c.162C>T (p.Pro54=)

Gene: SLC6A3 (solute carrier family 6 member 3). Cytogenetic location: 5p15.33.
Variant type: single nucleotide variant.
Coding change: c.162C>T on transcript NM_001044.5 (MANE Select); coding-DNA position 162, C replaced by T.
Protein change: p.Pro54=; no amino-acid change (proline 54 retained).
Molecular consequence: synonymous variant.
Genome position (GRCh38, 1-based): chr5:1,443,036, G>A on the plus strand (C>T on the coding strand, the complement: SLC6A3 is on the minus strand). VCF-style: chr5-1443036-G-A. GRCh37 (hg19) VCF-style: chr5-1443151-G-A.
Other names: p.Pro54=.
Identifiers: ClinVar variation 470636 (VCV000470636.45), dbSNP rs6351, ClinGen allele CA3186464.